The following is an entry in ClinVar:

NM_138387.4(G6PC3):c.620T>C (p.Met207Thr)

Gene: G6PC3 (glucose-6-phosphatase catalytic subunit 3; plus strand). Cytogenetic location: 17q21.31.
Variant type: single nucleotide variant.
Coding change: c.620T>C on transcript NM_138387.4 (MANE Select); coding-DNA position 620, T replaced by C.
Protein change: p.Met207Thr; replaces methionine 207 with threonine.
Molecular consequence: missense variant. On other transcripts: synonymous variant (1).
Genome position (GRCh38, 1-based): chr17:44,075,394, T>C. VCF-style: chr17-44075394-T-C. GRCh37 (hg19) VCF-style: chr17-42152762-T-C.
Other names: c.501T>C, p.His167= (NM_001319945.2); c.275T>C, p.Met92Thr (NM_001384165.1, NM_001384166.1, NM_001384167.1 and 1 more transcripts); short protein forms M207T, M92T.
Identifiers: ClinVar variation 936499 (VCV000936499.9), dbSNP rs758281781, ClinGen allele CA8596099.
Genomic context (GRCh38, chr17:44,075,394, plus strand): 5'-CTCCCCGAGTGCCTATGGAGCGGGAGCTAAGCTTCTATGGGTTGACTGCACTGGCCCTCA[T>C]GCTAGGCACCAGCCTCATCTATTGGACCCTCTTTACACTGGGCCTGGATCTTTCTTGGTA-3'
Protein context (NP_612396.1, residues 197-217): SFYGLTALAL[Met207Thr]LGTSLIYWTL

ClinVar aggregate classification (germline): Uncertain significance. Review status: criteria provided, multiple submitters, no conflicts (2 of 4 stars). 2 submissions from 2 submitters: Uncertain significance (2). Last evaluated 2025-06-06.

Conditions:
Inborn genetic diseases. Identifiers: MedGen C0950123, MeSH D030342.
Autosomal recessive severe congenital neutropenia due to G6PC3 deficiency. Also called: NEUTROPENIA, SEVERE CONGENITAL, 4, AUTOSOMAL RECESSIVE; G6PC3 Deficiency. Identifiers: Orphanet 331176, MedGen C2751630, MONDO:0012930, OMIM 612541.

Allele frequency attached by ClinVar (database versions not stated): gnomAD exomes below 0.00001; ExAC 0.00001; gnomAD 0.00001.

Submissions (2):

Ambry Genetics
Classification: Uncertain significance for Inborn genetic diseases. Last evaluated: 2025-06-06. Review status: criteria provided, single submitter. Criteria: Ambry Variant Classification Scheme 2023. Collection method: clinical testing. Allele origin: germline.
Comment: The p.M207T variant (also known as c.620T>C), located in coding exon 5 of the G6PC3 gene, results from a T to C substitution at nucleotide position 620. The methionine at codon 207 is replaced by threonine, an amino acid with similar properties. This amino acid position is conserved. In addition, this alteration is predicted to be tolerated by in silico analysis. Based on the available evidence, the clinical significance of this variant remains unclear.

Labcorp Genetics (formerly Invitae), Labcorp
Classification: Uncertain significance for Autosomal recessive severe congenital neutropenia due to G6PC3 deficiency. Last evaluated: 2019-06-12. Review status: criteria provided, single submitter. Criteria: Invitae Variant Classification Sherloc (09022015). Collection method: clinical testing. Allele origin: germline.
Comment: This variant is present in population databases (rs758281781, ExAC 0.001%). This sequence change replaces methionine with threonine at codon 207 of the G6PC3 protein (p.Met207Thr). The methionine residue is weakly conserved and there is a moderate physicochemical difference between methionine and threonine. This variant has not been reported in the literature in individuals with G6PC3-related conditions. In summary, the available evidence is currently insufficient to determine the role of this variant in disease. Therefore, it has been classified as a Variant of Uncertain Significance. Algorithms developed to predict the effect of missense changes on protein structure and function are either unavailable or do not agree on the potential impact of this missense change (SIFT: "Deleterious"; PolyPhen-2: "Benign"; Align-GVGD: "Class C0").